The following is an entry in ClinVar:

NM_001353921.2(ARHGEF9):c.1018G>A (p.Gly340Ser)

Gene: ARHGEF9 (Cdc42 guanine nucleotide exchange factor 9; minus strand). Cytogenetic location: Xq11.1.
Variant type: single nucleotide variant.
Coding change: c.1018G>A on transcript NM_001353921.2 (MANE Select); coding-DNA position 1018, G replaced by A.
Protein change: p.Gly340Ser; replaces glycine 340 with serine.
Molecular consequence: missense variant. On other transcripts: intron variant (5).
Genome position (GRCh38, 1-based): chrX:63,665,945, C>T on the plus strand (G>A on the coding strand, the complement: ARHGEF9 is on the minus strand). VCF-style: chrX-63665945-C-T. GRCh37 (hg19) VCF-style: chrX-62885825-C-T.
Other names: c.838G>A, p.Gly280Ser (NM_001173479.2); c.691G>A, p.Gly231Ser (NM_001173480.2, NM_001369042.1); c.934G>A, p.Gly312Ser (NM_001330495.2, NM_001369033.1, NM_001369034.1 and 6 more transcripts); c.1036G>A, p.Gly346Ser (NM_001353923.1); c.817G>A, p.Gly273Ser (NM_001353924.2, NM_001353926.2, NM_001369039.1 and 1 more transcripts); c.997G>A, p.Gly333Ser (NM_001369030.1, NM_001369031.1, NM_001369032.1 and 1 more transcripts); c.945+8093G>A (NM_001353922.2); c.861+8093G>A (NM_001369041.1, NM_001353927.2); and 2 more; short protein forms G333S, G231S, G280S, G312S, G346S, G340S, G273S.
Identifiers: ClinVar variation 391593 (VCV000391593.2), dbSNP rs782103101, ClinGen allele CA10431876.
Genomic context (GRCh38, chrX:63,665,945, plus strand): 5'-CCTTCTTGCAGAGGACCATCTGGTGGTCAAACAGGAAGAAGACCCGCTGCTGGTTGCGGC[C>T]GTAGGGCTGGTAGATCCAGGCCATCTCCCCAGTGTAGATCAGCTCCGAGCTCCTGTCTAG-3'
Protein context (NP_001340850.1, residues 330-350): GEMAWIYQPY[Gly340Ser]RNQQRVFFLF

ClinVar aggregate classification (germline): Uncertain significance (1 of 4 stars; one submission).

Allele frequency attached by ClinVar (database versions not stated): ExAC 0.00001; gnomAD 0.00001; gnomAD exomes 0.00001 and 0.00003.
gnomAD v4.1: 32 of 1,208,460 alleles (0.0026%); highest among the groups gnomAD compares: Non-Finnish European, 0.0035%; no homozygotes.

Submission:

GeneDx
Classification: Uncertain significance. Last evaluated: 2016-12-16. Review status: criteria provided, single submitter. Criteria: GeneDx Variant Classification (06012015). Collection method: clinical testing. Allele origin: germline. Affected: yes.
Comment: The G333S variant has not been published as a pathogenic variant, nor has it been reported as a benign variant to our knowledge. This variant is not observed in large population cohorts (Lek et al., 2016; 1000 Genomes Consortium et al., 2015; Exome Variant Server). The G333S variant is a non-conservative amino acid substitution that occurs at a position that is conserved across species, and in silico analysis predicts this variant is probably damaging to the protein structure/function. Therefore, based on the currently available information, it is unclear whether this variant is a pathogenic variant or a rare benign variant.